The following is an entry in ClinVar:

ClinVar aggregate classification (germline): Uncertain significance (1 of 4 stars; one submission).

Conditions:
Vanishing white matter disease. Also called: CACH syndrome; Childhood ataxia with diffuse central nervous system hypomyelination; Leukoencephalopathy with vanishing white matter; CACH/VWM syndrome; Cree leukoencehalopathy. Identifiers: Orphanet 135, Orphanet 99853, MedGen C1858991, MONDO:0800448.

Submission:

Baylor Genetics
Classification: Uncertain significance for Leukoencephalopathy with vanishing white matter 1. Last evaluated: 2017-09-01. Review status: criteria provided, single submitter. Criteria: ACMG Guidelines, 2015. Collection method: clinical testing. Allele origin: germline. Inheritance: Autosomal recessive inheritance. Affected: yes.

Literature cited by the submitters: PubMed 25326635.

NM_003907.3(EIF2B5):c.1268T>C (p.Val423Ala)

Gene: EIF2B5 (eukaryotic translation initiation factor 2B subunit epsilon; plus strand). Cytogenetic location: 3q27.1.
Variant type: single nucleotide variant.
Coding change: c.1268T>C on transcript NM_003907.3 (MANE Select); coding-DNA position 1268, T replaced by C.
Protein change: p.Val423Ala; replaces valine 423 with alanine.
Molecular consequence: missense variant.
Genome position (GRCh38, 1-based): chr3:184,142,036, T>C. VCF-style: chr3-184142036-T-C. GRCh37 (hg19) VCF-style: chr3-183859824-T-C.
Other names: short protein forms V423A.
Identifiers: ClinVar variation 561000 (VCV000561000.2), dbSNP rs1560109172, ClinGen allele CA355387267.